The following is an entry in ClinVar:

NM_024818.6(UBA5):c.482T>C (p.Met161Thr)

Genes: NPHP3-ACAD11 (NPHP3-ACAD11 readthrough (NMD candidate); minus strand), UBA5 (ubiquitin like modifier activating enzyme 5; plus strand). Cytogenetic location: 3q22.1.
Variant type: single nucleotide variant.
Coding change: c.482T>C on transcript NM_024818.6 (MANE Select); coding-DNA position 482, T replaced by C.
Protein change: p.Met161Thr; replaces methionine 161 with threonine.
Molecular consequence: missense variant.
Genome position (GRCh38, 1-based): chr3:132,670,272, T>C. VCF-style: chr3-132670272-T-C. GRCh37 (hg19) VCF-style: chr3-132389116-T-C.
Other names: c.314T>C, p.Met105Thr (NM_001320210.2, NM_198329.4); c.212T>C, p.Met71Thr (NM_001321238.2); c.146T>C, p.Met49Thr (NM_001321239.1); short protein forms M105T, M161T, M49T, M71T.
Identifiers: ClinVar variation 1716298 (VCV001716298.5), dbSNP rs1366214999, ClinGen allele CA354573514.

ClinVar aggregate classification (germline): Uncertain significance (1 of 4 stars; one submission).

Submission:

Labcorp Genetics (formerly Invitae), Labcorp
Classification: Uncertain significance. Last evaluated: 2024-01-08. Review status: criteria provided, single submitter. Criteria: Invitae Variant Classification Sherloc (09022015). Collection method: clinical testing. Allele origin: germline.
Comment: This sequence change replaces methionine, which is neutral and non-polar, with threonine, which is neutral and polar, at codon 161 of the UBA5 protein (p.Met161Thr). The frequency data for this variant in the population databases is considered unreliable, as metrics indicate poor data quality at this position in the gnomAD database. This variant has not been reported in the literature in individuals affected with UBA5-related conditions. ClinVar contains an entry for this variant (Variation ID: 1716298). Advanced modeling of protein sequence and biophysical properties (such as structural, functional, and spatial information, amino acid conservation, physicochemical variation, residue mobility, and thermodynamic stability) performed at Invitae indicates that this missense variant is not expected to disrupt UBA5 protein function with a negative predictive value of 80%. In summary, the available evidence is currently insufficient to determine the role of this variant in disease. Therefore, it has been classified as a Variant of Uncertain Significance.